The following is an entry in ClinVar:

NM_201384.3(PLEC):c.6858G>A (p.Ala2286=)

Gene: PLEC (plectin; minus strand). Cytogenetic location: 8q24.3.
Variant type: single nucleotide variant.
Coding change: c.6858G>A on transcript NM_201384.3 (MANE Select); coding-DNA position 6858, G replaced by A.
Protein change: p.Ala2286=; no amino-acid change (alanine 2286 retained).
Molecular consequence: synonymous variant.
Genome position (GRCh38, 1-based): chr8:143,923,071, C>T on the plus strand (G>A on the coding strand, the complement: PLEC is on the minus strand). VCF-style: chr8-143923071-C-T. GRCh37 (hg19) VCF-style: chr8-144997239-C-T.
Other names: c.6939G>A, p.Ala2313= (NM_000445.5); c.6816G>A, p.Ala2272= (NM_201378.4); c.6792G>A, p.Ala2264= (NM_201379.3); c.7269G>A, p.Ala2423= (NM_201380.4); c.6762G>A, p.Ala2254= (NM_201381.3); c.6858G>A, p.Ala2286= (NM_201382.4); c.6870G>A, p.Ala2290= (NM_201383.3).
Identifiers: ClinVar variation 471638 (VCV000471638.15), dbSNP rs200335976, ClinGen allele CA4925827.

ClinVar aggregate classification (germline): Likely benign. Review status: criteria provided, multiple submitters, no conflicts (2 of 4 stars). 3 submissions from 3 submitters: Likely benign (3). Last evaluated 2025-10-14.

Conditions:
Epidermolysis bullosa simplex with nail dystrophy (EBS5D). Identifiers: MedGen C4225309, MONDO:0014661, OMIM 616487.
Epidermolysis bullosa simplex, Ogna type (EBS5A). Also called: Pidermolysis bullosa simplex 5A, Ogna type; EPIDERMOLYSIS BULLOSA SIMPLEX 5A, OGNA TYPE. Identifiers: Orphanet 79401, MedGen C0432317, MONDO:0007555, OMIM 131950.
Autosomal recessive limb-girdle muscular dystrophy type 2Q (LGMDR17). Also called: MUSCULAR DYSTROPHY, LIMB-GIRDLE, AUTOSOMAL RECESSIVE 17. Identifiers: Orphanet 254361, MedGen C3150989, MONDO:0013390, OMIM 613723.
Epidermolysis bullosa simplex 5C, with pyloric atresia (EBS5C). Also called: PLEC-Related Epidermolysis Bullosa with Pyloric Atresia; Epidermolysis bullosa simplex with pyloric atresia; PLEC1-Related Epidermolysis Bullosa with Pyloric Atresia. Identifiers: Orphanet 158684, MedGen C2677349, MONDO:0012807, OMIM 612138.
Epidermolysis bullosa simplex 5B, with muscular dystrophy (EBS5B). Also called: EPIDERMOLYSIS BULLOSA SIMPLEX AND LIMB-GIRDLE MUSCULAR DYSTROPHY; Epidermolysis bullosa simplex with muscular dystrophy. Identifiers: Orphanet 257, MedGen C2931072, MONDO:0009181, OMIM 226670.

Allele frequency attached by ClinVar (database versions not stated): gnomAD exomes 0.00001 and 0.00005; ExAC 0.00002; gnomAD 0.00003 and 0.00006; TOPMed 0.00009; 1000 Genomes Project 30x 0.00047; 1000 Genomes Project 0.00060.

Submissions (3):

Labcorp Genetics (formerly Invitae), Labcorp
Classification: Likely benign for Autosomal recessive limb-girdle muscular dystrophy type 2Q; Epidermolysis bullosa simplex, Ogna type; Epidermolysis bullosa simplex with nail dystrophy; Epidermolysis bullosa simplex 5C, with pyloric atresia; Epidermolysis bullosa simplex 5B, with muscular dystrophy. Last evaluated: 2025-10-14. Review status: criteria provided, single submitter. Criteria: Invitae Variant Classification Sherloc (09022015). Collection method: clinical testing. Allele origin: germline.

Athena Diagnostics
Classification: Likely benign. Last evaluated: 2024-12-23. Review status: criteria provided, single submitter. Criteria: Athena Diagnostics Criteria. Collection method: clinical testing. Allele origin: unknown.
Comment: Computational tools yielded predictions that this variant is unlikely to have an effect on normal RNA splicing. This nucleotide position exhibits low evolutionary conservation.

GeneDx
Classification: Likely benign. Last evaluated: 2020-10-05. Review status: criteria provided, single submitter. Criteria: GeneDx Variant Classification Process June 2021. Collection method: clinical testing. Allele origin: germline. Affected: yes.